The following is an entry in ClinVar:

ClinVar aggregate classification (germline): Uncertain significance. Review status: criteria provided, multiple submitters, no conflicts (2 of 4 stars). 2 submissions from 2 submitters: Uncertain significance (2). Last evaluated 2025-12-05.

Conditions:
Hereditary cancer-predisposing syndrome. Also called: Neoplastic Syndromes, Hereditary; Tumor predisposition; Hereditary neoplastic syndrome; Hereditary Cancer Syndrome. Identifiers: Orphanet 140162, MedGen C0027672, MeSH D009386, MONDO:0015356.
Cardiovascular phenotype. Identifiers: MedGen CN230736.
Neurofibromatosis, type 1 (NF1). Also called: NEUROFIBROMATOSIS, TYPE I, SOMATIC; Peripheral type neurofibromatosis; VON RECKLINGHAUSEN DISEASE; Neurofibromatosis, type I. Identifiers: Orphanet 636, MedGen C0027831, MONDO:0018975, OMIM 162200. Disease mechanism: loss of function.

Submissions (2):

Ambry Genetics
Classification: Uncertain significance for Cardiovascular phenotype; Hereditary cancer-predisposing syndrome. Last evaluated: 2025-12-05. Review status: criteria provided, single submitter. Criteria: Ambry Variant Classification Scheme 2023. Collection method: clinical testing. Allele origin: germline.
Comment: The p.N957S variant (also known as c.2870A>G), located in coding exon 22 of the NF1 gene, results from an A to G substitution at nucleotide position 2870. The asparagine at codon 957 is replaced by serine, an amino acid with highly similar properties. This amino acid position is highly conserved in available vertebrate species. In addition, this alteration is predicted to be tolerated by in silico analysis. Based on the available evidence, the clinical significance of this variant remains unclear.

Labcorp Genetics (formerly Invitae), Labcorp
Classification: Uncertain significance for Neurofibromatosis, type 1. Last evaluated: 2025-09-11. Review status: criteria provided, single submitter. Criteria: Invitae Variant Classification Sherloc (09022015). Collection method: clinical testing. Allele origin: germline.
Comment: This sequence change replaces asparagine, which is neutral and polar, with serine, which is neutral and polar, at codon 957 of the NF1 protein (p.Asn957Ser). This variant is not present in population databases (gnomAD no frequency). This variant has not been reported in the literature in individuals affected with NF1-related conditions. ClinVar contains an entry for this variant (Variation ID: 1797050). Invitae Evidence Modeling of protein sequence and biophysical properties (such as structural, functional, and spatial information, amino acid conservation, physicochemical variation, residue mobility, and thermodynamic stability) has been performed for this missense variant. However, the output from this modeling did not meet the statistical confidence thresholds required to predict the impact of this variant on NF1 protein function. This variant disrupts the p.Asn957 amino acid residue in NF1. Other variant(s) that disrupt this residue have been determined to be pathogenic (PMID: 27322474; internal data). This suggests that this residue is clinically significant, and that variants that disrupt this residue are likely to be disease-causing. In summary, the available evidence is currently insufficient to determine the role of this variant in disease. Therefore, it has been classified as a Variant of Uncertain Significance.

Literature cited by the submitters: PubMed 27322474 (cited by Labcorp Genetics (formerly Invitae), Labcorp).

NM_001042492.3(NF1):c.2870A>G (p.Asn957Ser)

Gene: NF1 (neurofibromin 1; plus strand). Cytogenetic location: 17q11.2.
Variant type: single nucleotide variant.
Coding change: c.2870A>G on transcript NM_001042492.3 (MANE Select); coding-DNA position 2870, A replaced by G.
Protein change: p.Asn957Ser; replaces asparagine 957 with serine.
Molecular consequence: missense variant.
Genome position (GRCh38, 1-based): chr17:31,229,854, A>G. VCF-style: chr17-31229854-A-G. GRCh37 (hg19) VCF-style: chr17-29556872-A-G.
Other names: c.2870A>G, p.Asn957Ser (NM_000267.4); short protein forms N957S.
Identifiers: ClinVar variation 1797050 (VCV001797050.6), dbSNP rs1135402834, ClinGen allele CA398986022.